The following is an entry in ClinVar:

NM_032575.3(GLIS2):c.790G>A (p.Val264Ile)

Gene: GLIS2 (GLIS family zinc finger 2; plus strand). Cytogenetic location: 16p13.3.
Variant type: single nucleotide variant.
Coding change: c.790G>A on transcript NM_032575.3 (MANE Select); coding-DNA position 790, G replaced by A.
Protein change: p.Val264Ile; replaces valine 264 with isoleucine.
Molecular consequence: missense variant.
Genome position (GRCh38, 1-based): chr16:4,336,739, G>A. VCF-style: chr16-4336739-G-A. GRCh37 (hg19) VCF-style: chr16-4386740-G-A.
Other names: c.790G>A, p.Val264Ile (NM_001318918.2); short protein forms V264I.
Identifiers: ClinVar variation 1464946 (VCV001464946.8), dbSNP rs372331480, ClinGen allele CA7873130.

ClinVar aggregate classification (germline): Uncertain significance (1 of 4 stars; one submission).

Conditions:
Nephronophthisis. Also called: Juvenile Nephronophthisis. Identifiers: Orphanet 655, MedGen C0687120, MONDO:0019005, HP:0000090.

Allele frequency attached by ClinVar (database versions not stated): gnomAD exomes 0.00001; TOPMed 0.00001; ExAC 0.00002; gnomAD 0.00002; ESP Exome Variant Server 0.00008.
gnomAD v4.1: 16 of 1,604,258 alleles (0.001%); highest among the groups gnomAD compares: African/African-American, 0.004%; no homozygotes.

Submission:

Labcorp Genetics (formerly Invitae), Labcorp
Classification: Uncertain significance for Nephronophthisis. Last evaluated: 2024-01-17. Review status: criteria provided, single submitter. Criteria: Invitae Variant Classification Sherloc (09022015). Collection method: clinical testing. Allele origin: germline.
Comment: This sequence change replaces valine, which is neutral and non-polar, with isoleucine, which is neutral and non-polar, at codon 264 of the GLIS2 protein (p.Val264Ile). This variant is present in population databases (rs372331480, gnomAD 0.006%). This variant has not been reported in the literature in individuals affected with GLIS2-related conditions. ClinVar contains an entry for this variant (Variation ID: 1464946). Algorithms developed to predict the effect of missense changes on protein structure and function output the following: SIFT: "Not Available"; PolyPhen-2: "Benign"; Align-GVGD: "Not Available". The isoleucine amino acid residue is found in multiple mammalian species, which suggests that this missense change does not adversely affect protein function. In summary, the available evidence is currently insufficient to determine the role of this variant in disease. Therefore, it has been classified as a Variant of Uncertain Significance.